The following is an entry in ClinVar:

ClinVar aggregate classification (germline): Uncertain significance (1 of 4 stars; one submission).

Conditions:
Hepatic veno-occlusive disease-immunodeficiency syndrome. Also called: Hepatic Veno-Occlusive Disease with Immunodeficiency. Identifiers: Orphanet 79124, MedGen C1856128, MONDO:0009338, OMIM 235550. Disease mechanism: loss of function.

Allele frequency attached by ClinVar (database versions not stated): gnomAD exomes below 0.00001.
gnomAD v4.1: 1 of 1,613,864 alleles (0.000062%); highest among the groups gnomAD compares: Non-Finnish European, 0.000085%; no homozygotes.

Submission:

Labcorp Genetics (formerly Invitae), Labcorp
Classification: Uncertain significance for Hepatic veno-occlusive disease-immunodeficiency syndrome. Last evaluated: 2022-07-15. Review status: criteria provided, single submitter. Criteria: Invitae Variant Classification Sherloc (09022015). Collection method: clinical testing. Allele origin: germline.
Comment: In summary, the available evidence is currently insufficient to determine the role of this variant in disease. Therefore, it has been classified as a Variant of Uncertain Significance. Algorithms developed to predict the effect of sequence changes on RNA splicing suggest that this variant may disrupt the consensus splice site. This variant has not been reported in the literature in individuals affected with SP110-related conditions. This variant is not present in population databases (gnomAD no frequency). This sequence change falls in intron 10 of the SP110 gene. It does not directly change the encoded amino acid sequence of the SP110 protein.

NM_080424.4(SP110):c.1130-10T>C

Genes: SP110 (SP110 nuclear body protein; minus strand), SP140 (SP140 nuclear body protein; plus strand). Cytogenetic location: 2q37.1.
Variant type: single nucleotide variant.
Coding change: c.1130-10T>C on transcript NM_080424.4 (MANE Select); 10 bases into the intron before coding-DNA position 1130, T replaced by C.
Molecular consequence: intron variant.
Genome position (GRCh38, 1-based): chr2:230,186,153, A>G on the plus strand (T>C on the coding strand, the complement: SP110 is on the minus strand). VCF-style: chr2-230186153-A-G. GRCh37 (hg19) VCF-style: chr2-231050869-A-G.
Other names: c.1148-10T>C (NM_001378446.1, NM_001378445.1, NM_001378442.1 and 2 more transcripts); c.1130-10T>C (NM_004509.5, NM_001378443.1, NM_004510.4); c.980-10T>C (NM_001378447.1).
Identifiers: ClinVar variation 2017342 (VCV002017342.4), dbSNP rs2469553288, ClinGen allele CA2580065973.